The following is an entry in ClinVar:

ClinVar aggregate classification (germline): Uncertain significance. Review status: criteria provided, multiple submitters, no conflicts (2 of 4 stars). 2 submissions from 2 submitters: Uncertain significance (2). Last evaluated 2025-08-08.

Conditions:
Hereditary cancer-predisposing syndrome. Also called: Neoplastic Syndromes, Hereditary; Hereditary neoplastic syndrome; Tumor predisposition; Hereditary Cancer Syndrome. Identifiers: Orphanet 140162, MedGen C0027672, MeSH D009386, MONDO:0015356.
Tuberous sclerosis 1 (TSC1). Identifiers: Orphanet 805, MedGen C1854465, MONDO:0008612, OMIM 191100.

Submissions (2):

Ambry Genetics
Classification: Uncertain significance for Hereditary cancer-predisposing syndrome. Last evaluated: 2025-08-08. Review status: criteria provided, single submitter. Criteria: Ambry Variant Classification Scheme 2023. Collection method: clinical testing. Allele origin: germline.
Comment: The p.G383E variant (also known as c.1148G>A), located in coding exon 10 of the TSC1 gene, results from a G to A substitution at nucleotide position 1148. The glycine at codon 383 is replaced by glutamic acid, an amino acid with similar properties. This amino acid position is conserved. In addition, this alteration is predicted to be deleterious by in silico analysis. Based on the available evidence, the clinical significance of this variant remains unclear.

Labcorp Genetics (formerly Invitae), Labcorp
Classification: Uncertain significance for Tuberous sclerosis 1. Last evaluated: 2023-12-16. Review status: criteria provided, single submitter. Criteria: Invitae Variant Classification Sherloc (09022015). Collection method: clinical testing. Allele origin: germline.
Comment: This sequence change replaces glycine, which is neutral and non-polar, with glutamic acid, which is acidic and polar, at codon 383 of the TSC1 protein (p.Gly383Glu). This variant is not present in population databases (gnomAD no frequency). This variant has not been reported in the literature in individuals affected with TSC1-related conditions. ClinVar contains an entry for this variant (Variation ID: 534443). Advanced modeling of protein sequence and biophysical properties (such as structural, functional, and spatial information, amino acid conservation, physicochemical variation, residue mobility, and thermodynamic stability) performed at Invitae indicates that this missense variant is not expected to disrupt TSC1 protein function with a negative predictive value of 95%. In summary, the available evidence is currently insufficient to determine the role of this variant in disease. Therefore, it has been classified as a Variant of Uncertain Significance.

NM_000368.5(TSC1):c.1148G>A (p.Gly383Glu)

Gene: TSC1 (TSC complex subunit 1; minus strand). Cytogenetic location: 9q34.13.
Variant type: single nucleotide variant.
Coding change: c.1148G>A on transcript NM_000368.5 (MANE Select); coding-DNA position 1148, G replaced by A.
Protein change: p.Gly383Glu; replaces glycine 383 with glutamic acid.
Molecular consequence: missense variant.
Genome position (GRCh38, 1-based): chr9:132,910,686, C>T on the plus strand (G>A on the coding strand, the complement: TSC1 is on the minus strand). VCF-style: chr9-132910686-C-T. GRCh37 (hg19) VCF-style: chr9-135786073-C-T.
Other names: c.1145G>A, p.Gly382Glu (NM_001162426.2); c.995G>A, p.Gly332Glu (NM_001162427.2); c.785G>A, p.Gly262Glu (NM_001362177.2); short protein forms G383E, G332E, G382E, G262E.
Identifiers: ClinVar variation 534443 (VCV000534443.9), dbSNP rs1554817166, ClinGen allele CA375367212.
Genomic context (GRCh38, chr9:132,910,686, plus strand): 5'-GAATGACAGAGTGGGGCTGGAGGAGGAGAGGTTGCTGGGGTTCCCAGAGGAGTTCCTTTT[C>T]CACCTGCTTAGAGACAAGGGCAGAACATATATGAACACTGAGCCCAACTATTAGAAAAAC-3'
Protein context (NP_000359.1, residues 373-393): YSKVFGTTAG[Gly383Glu]KGTPLGTPAT